The following is an entry in ClinVar:

NM_001365276.2(TNXB):c.2236G>A (p.Gly746Arg)

Gene: TNXB (tenascin XB; minus strand). Cytogenetic location: 6p21.33.
Variant type: single nucleotide variant.
Coding change: c.2236G>A on transcript NM_001365276.2 (MANE Select); coding-DNA position 2236, G replaced by A.
Protein change: p.Gly746Arg; replaces glycine 746 with arginine.
Molecular consequence: missense variant.
Genome position (GRCh38, 1-based): chr6:32,095,617, C>T on the plus strand (G>A on the coding strand, the complement: TNXB is on the minus strand). VCF-style: chr6-32095617-C-T. GRCh37 (hg19) VCF-style: chr6-32063394-C-T.
Other names: p.Gly746Arg; c.2236G>A, p.Gly746Arg (NM_019105.8); short protein forms G746R.
Identifiers: ClinVar variation 809906 (VCV000809906.42), dbSNP rs772687581, ClinGen allele CA3735537.

ClinVar aggregate classification (germline): Uncertain significance. Review status: criteria provided, multiple submitters, no conflicts (2 of 4 stars). 2 submissions from 2 submitters: Uncertain significance (2). Last evaluated 2025-12-06.

Allele frequency attached by ClinVar (database versions not stated): TOPMed below 0.00001; ExAC 0.00001; gnomAD exomes 0.00002 and 0.00003.

Submissions (2):

Mayo Clinic Laboratories, Mayo Clinic
Classification: Uncertain significance. Last evaluated: 2025-12-06. Review status: criteria provided, single submitter. Criteria: ACMG Guidelines, 2015. Collection method: clinical testing. Allele origin: germline. Observed: 1 variant allele.
Comment: BP4_moderate

CeGaT Center for Human Genetics Tuebingen
Classification: Uncertain significance. Last evaluated: 2016-06-01. Review status: criteria provided, single submitter. Criteria: CeGaT Center For Human Genetics Tuebingen Variant Classification Criteria Version 2. Collection method: clinical testing. Allele origin: germline. Affected: yes. Observed: 1 variant allele.